The following is an entry in ClinVar:

NM_001099922.3(ALG13):c.2461C>A (p.Leu821Ile)

Gene: ALG13 (ALG13 UDP-N-acetylglucosaminyltransferase subunit; plus strand). Cytogenetic location: Xq23.
Variant type: single nucleotide variant.
Coding change: c.2461C>A on transcript NM_001099922.3 (MANE Select); coding-DNA position 2461, C replaced by A.
Protein change: p.Leu821Ile; replaces leucine 821 with isoleucine.
Molecular consequence: missense variant. On other transcripts: non-coding transcript variant (1).
Genome position (GRCh38, 1-based): chrX:111,735,054, C>A. VCF-style: chrX-111735054-C-A. GRCh37 (hg19) VCF-style: chrX-110978282-C-A.
Other names: c.2149C>A, p.Leu717Ile (NM_001257230.2, NM_001257234.2, NM_001257237.2); c.2227C>A, p.Leu743Ile (NM_001257231.2); c.2461C>A, p.Leu821Ile (NM_001324292.2); c.1975C>A, p.Leu659Ile (NM_001324293.1); short protein forms L659I, L717I, L743I, L821I.
Identifiers: ClinVar variation 4807556 (VCV004807556.1).

ClinVar aggregate classification (germline): Uncertain significance (1 of 4 stars; one submission).

Conditions:
Developmental and epileptic encephalopathy, 36 (DEE36). Also called: Congenital disorder of glycosylation, type Is; Epileptic encephalopathy, early infantile, 36; ALG13-CDG. Identifiers: Orphanet 324422, MedGen C4317295, MONDO:0010472, OMIM 300884.

gnomAD v4.1: 1 of 1,164,551 alleles (0.000086%); highest among the groups gnomAD compares: South Asian, 0.0019%; no homozygotes.

Submission:

Labcorp Genetics (formerly Invitae), Labcorp
Classification: Uncertain significance for Developmental and epileptic encephalopathy, 36. Last evaluated: 2025-07-30. Review status: criteria provided, single submitter. Criteria: Invitae Variant Classification Sherloc (09022015). Collection method: clinical testing. Allele origin: germline.
Comment: This sequence change replaces leucine, which is neutral and non-polar, with isoleucine, which is neutral and non-polar, at codon 821 of the ALG13 protein (p.Leu821Ile). This variant is not present in population databases (gnomAD no frequency). This variant has not been reported in the literature in individuals affected with ALG13-related conditions. Invitae Evidence Modeling of protein sequence and biophysical properties (such as structural, functional, and spatial information, amino acid conservation, physicochemical variation, residue mobility, and thermodynamic stability) indicates that this missense variant is not expected to disrupt ALG13 protein function with a negative predictive value of 95%. Algorithms developed to predict the effect of sequence changes on RNA splicing suggest that this variant may disrupt the consensus splice site. In summary, the available evidence is currently insufficient to determine the role of this variant in disease. Therefore, it has been classified as a Variant of Uncertain Significance.